The following is an entry in ClinVar:

NM_000719.7(CACNA1C):c.1371T>A (p.Asp457Glu)

Gene: CACNA1C (calcium voltage-gated channel subunit alpha1 C; plus strand). Cytogenetic location: 12p13.33.
Variant type: single nucleotide variant.
Coding change: c.1371T>A on transcript NM_000719.7 (MANE Select); coding-DNA position 1371, T replaced by A.
Protein change: p.Asp457Glu; replaces aspartic acid 457 with glutamic acid.
Molecular consequence: missense variant.
Genome position (GRCh38, 1-based): chr12:2,512,965, T>A. VCF-style: chr12-2512965-T-A. GRCh37 (hg19) VCF-style: chr12-2622131-T-A.
Other names: c.1371T>A, p.Asp457Glu (NM_001129827.2, NM_001129829.2, NM_001129830.3 and 18 more transcripts); c.1362T>A, p.Asp454Glu (NM_001129844.2); short protein forms D457E, D454E.
Identifiers: ClinVar variation 4745773 (VCV004745773.1).

ClinVar aggregate classification (germline): Uncertain significance (1 of 4 stars; one submission).

Conditions:
Long QT syndrome (LQTS). Identifiers: MedGen C0023976, MeSH D008133, MONDO:0002442. Disease mechanism: loss of function. Inheritance: Various modes of inheritance.

Submission:

Labcorp Genetics (formerly Invitae), Labcorp
Classification: Uncertain significance for Long QT syndrome. Last evaluated: 2025-11-09. Review status: criteria provided, single submitter. Criteria: Invitae Variant Classification Sherloc (09022015). Collection method: clinical testing. Allele origin: germline.
Comment: This sequence change replaces aspartic acid, which is acidic and polar, with glutamic acid, which is acidic and polar, at codon 457 of the CACNA1C protein (p.Asp457Glu). This variant is not present in population databases (gnomAD no frequency). This variant has not been reported in the literature in individuals affected with CACNA1C-related conditions. Invitae Evidence Modeling of protein sequence and biophysical properties (such as structural, functional, and spatial information, amino acid conservation, physicochemical variation, residue mobility, and thermodynamic stability) indicates that this missense variant is not expected to disrupt CACNA1C protein function with a negative predictive value of 95%. In summary, the available evidence is currently insufficient to determine the role of this variant in disease. Therefore, it has been classified as a Variant of Uncertain Significance.